The following is an entry in ClinVar:

NC_000003.12:g.169764668C>T

Gene: TERC (telomerase RNA component; minus strand). Cytogenetic location: 3q26.2.
Variant type: single nucleotide variant.
Genome position: GRCh38 VCF-style: chr3-169764668-C-T. GRCh37 (hg19) VCF-style: chr3-169482456-C-T.
Identifiers: ClinVar variation 2749645 (VCV002749645.3), dbSNP rs1577384103, ClinGen allele CA436714854.
Genomic context (GRCh38, chr3:169,764,668, plus strand): 5'-CTGCATGTGTGAGCCGAGTCCTGGGTGCACGTCCCACAGCTCAGGGAATCGCGCCGCGCG[C>T]GGGGACTCGCTCCGTTCCTCTTCCTGCGGCCTGAAAGGCCTGAACCTCGCCCTCGCCCCC-3'

ClinVar aggregate classification (germline): Uncertain significance (1 of 4 stars; one submission).

Conditions:
Dyskeratosis congenita, autosomal dominant 1 (DKCA1). Also called: Dyskeratosis congenita Scoggins type. Identifiers: Orphanet 1775, MedGen C4551974, MONDO:0007485, OMIM 127550. Inheritance: Variable.

Submission:

Labcorp Genetics (formerly Invitae), Labcorp
Classification: Uncertain significance for Dyskeratosis congenita, autosomal dominant 1. Last evaluated: 2023-08-03. Review status: criteria provided, single submitter. Criteria: Invitae Variant Classification Sherloc (09022015). Collection method: clinical testing. Allele origin: germline.
Comment: This variant is located within the BoxH/ACA scaRNA domain of the TERC RNA component, which is required for telomerase activity (PMID: 21844345). In summary, the available evidence is currently insufficient to determine the role of this variant in disease. Therefore, it has been classified as a Variant of Uncertain Significance. This variant has not been reported in the literature in individuals affected with TERC-related conditions. This variant is not present in population databases (gnomAD no frequency). This variant occurs in the TERC gene, which encodes an RNA molecule that does not result in a protein product.

Literature cited by the submitters: PubMed 21844345.